The following is an entry in ClinVar:

NM_000921.5(PDE3A):c.1762T>C (p.Cys588Arg)

Gene: PDE3A (phosphodiesterase 3A; plus strand). Cytogenetic location: 12p12.2.
Variant type: single nucleotide variant.
Coding change: c.1762T>C on transcript NM_000921.5 (MANE Select); coding-DNA position 1762, T replaced by C.
Protein change: p.Cys588Arg; replaces cysteine 588 with arginine.
Molecular consequence: missense variant. On other transcripts: intron variant (1).
Genome position (GRCh38, 1-based): chr12:20,633,694, T>C. VCF-style: chr12-20633694-T-C. GRCh37 (hg19) VCF-style: chr12-20786628-T-C.
Other names: c.796T>C, p.Cys266Arg (NM_001244683.2, NM_001378409.1); c.799T>C, p.Cys267Arg (NM_001378408.1); c.1541-1208T>C (NM_001378407.1); short protein forms C267R, C588R, C266R.
Identifiers: ClinVar variation 4701895 (VCV004701895.1).
Genomic context (GRCh38, chr12:20,633,694, plus strand): 5'-GTGCCTATGACTTTTTGAAAAGAGGAGGCTACACCTATAGCTCTTCCAATATTTTTTAGC[T>C]GTGGCAGACCATATTCCCAAGGGAATCCTGCTGATGAGCCCCTGGAGAGAAGTGGGGTAG-3'
Protein context (NP_000912.3, residues 578-598): ILTPPVICSS[Cys588Arg]GRPYSQGNPA

ClinVar aggregate classification (germline): Uncertain significance (1 of 4 stars; one submission).

Submission:

Labcorp Genetics (formerly Invitae), Labcorp
Classification: Uncertain significance. Last evaluated: 2025-04-02. Review status: criteria provided, single submitter. Criteria: Invitae Variant Classification Sherloc (09022015). Collection method: clinical testing. Allele origin: germline.
Comment: This sequence change replaces cysteine, which is neutral and slightly polar, with arginine, which is basic and polar, at codon 588 of the PDE3A protein (p.Cys588Arg). This variant is not present in population databases (gnomAD no frequency). This variant has not been reported in the literature in individuals affected with PDE3A-related conditions. An algorithm developed to predict the effect of missense changes on protein structure and function (PolyPhen-2) suggests that this variant is likely to be disruptive. In summary, the available evidence is currently insufficient to determine the role of this variant in disease. Therefore, it has been classified as a Variant of Uncertain Significance.